The following is an entry in ClinVar:

ClinVar aggregate classification (germline): Uncertain significance. Review status: criteria provided, multiple submitters, no conflicts (2 of 4 stars). 2 submissions from 2 submitters: Uncertain significance (2). Last evaluated 2025-10-07.

Conditions:
Inborn genetic diseases. Identifiers: MedGen C0950123, MeSH D030342.

Allele frequency attached by ClinVar (database versions not stated): gnomAD 0.00001; TOPMed 0.00001.
gnomAD v4.1: 2 of 1,601,890 alleles (0.00012%); highest among the groups gnomAD compares: African/African-American, 0.0027%; no homozygotes.

Submissions (2):

Ambry Genetics
Classification: Uncertain significance for Inborn genetic diseases. Last evaluated: 2025-10-07. Review status: criteria provided, single submitter. Criteria: Ambry Variant Classification Scheme 2023. Collection method: clinical testing. Allele origin: germline.

Labcorp Genetics (formerly Invitae), Labcorp
Classification: Uncertain significance. Last evaluated: 2024-09-24. Review status: criteria provided, single submitter. Criteria: Invitae Variant Classification Sherloc (09022015). Collection method: clinical testing. Allele origin: germline.
Comment: This sequence change replaces glutamine, which is neutral and polar, with histidine, which is basic and polar, at codon 2297 of the DCHS1 protein (p.Gln2297His). This variant is present in population databases (no rsID available, gnomAD 0.01%). This variant has not been reported in the literature in individuals affected with DCHS1-related conditions. Invitae Evidence Modeling of protein sequence and biophysical properties (such as structural, functional, and spatial information, amino acid conservation, physicochemical variation, residue mobility, and thermodynamic stability) indicates that this missense variant is not expected to disrupt DCHS1 protein function with a negative predictive value of 80%. In summary, the available evidence is currently insufficient to determine the role of this variant in disease. Therefore, it has been classified as a Variant of Uncertain Significance.

NM_003737.4(DCHS1):c.6891G>C (p.Gln2297His)

Gene: DCHS1 (dachsous cadherin-related 1; minus strand). Cytogenetic location: 11p15.4.
Variant type: single nucleotide variant.
Coding change: c.6891G>C on transcript NM_003737.4 (MANE Select); coding-DNA position 6891, G replaced by C.
Protein change: p.Gln2297His; replaces glutamine 2297 with histidine.
Molecular consequence: missense variant.
Genome position (GRCh38, 1-based): chr11:6,625,453, C>G on the plus strand (G>C on the coding strand, the complement: DCHS1 is on the minus strand). VCF-style: chr11-6625453-C-G. GRCh37 (hg19) VCF-style: chr11-6646684-C-G.
Other names: c.6891G>C (NM_003737.2); short protein forms Q2297H.
Identifiers: ClinVar variation 2782824 (VCV002782824.4), dbSNP rs1387695061, ClinGen allele CA379484244.